The following is an entry in ClinVar:

NM_021927.3(GUF1):c.118C>G (p.Pro40Ala)

Genes: GUF1 (GTP binding elongation factor GUF1; plus strand), LOC129992541 (ATAC-STARR-seq lymphoblastoid silent region 15397; plus strand). Cytogenetic location: 4p12.
Variant type: single nucleotide variant.
Coding change: c.118C>G on transcript NM_021927.3 (MANE Select); coding-DNA position 118, C replaced by G.
Protein change: p.Pro40Ala; replaces proline 40 with alanine.
Molecular consequence: missense variant. On other transcripts: 5 prime UTR variant (2).
Genome position (GRCh38, 1-based): chr4:44,678,740, C>G. VCF-style: chr4-44678740-C-G. GRCh37 (hg19) VCF-style: chr4-44680757-C-G.
Other names: c.-851C>G (NM_001345867.2); c.118C>G, p.Pro40Ala (NM_001345868.2); c.-743C>G (NM_001345869.2); c.118C>G (NM_021927.2); short protein forms P40A.
Identifiers: ClinVar variation 1895791 (VCV001895791.4), dbSNP rs561585320, ClinGen allele CA2905188.

ClinVar aggregate classification (germline): Conflicting classifications of pathogenicity. Review status: criteria provided, conflicting classifications (1 of 4 stars). 2 submissions from 2 submitters: Uncertain significance (1); Likely benign (1). Last evaluated 2026-02-03.

gnomAD v4.1: 27 of 1,539,718 alleles (0.0018%); highest among the groups gnomAD compares: African/African-American, 0.0058%; no homozygotes.

Submissions (2):

Labcorp Genetics (formerly Invitae), Labcorp
Classification: Uncertain significance. Last evaluated: 2026-02-03. Review status: criteria provided, single submitter. Criteria: Invitae Variant Classification Sherloc (09022015). Collection method: clinical testing. Allele origin: germline.
Comment: This sequence change replaces proline, which is neutral and non-polar, with alanine, which is neutral and non-polar, at codon 40 of the GUF1 protein (p.Pro40Ala). This variant is present in population databases (rs561585320, gnomAD 0.001%). This variant has not been reported in the literature in individuals affected with GUF1-related conditions. ClinVar contains an entry for this variant (Variation ID: 1895791). An algorithm developed to predict the effect of missense changes on protein structure and function outputs the following: PolyPhen-2: "Benign". The alanine amino acid residue is found in multiple mammalian species, which suggests that this missense change does not adversely affect protein function. In summary, the available evidence is currently insufficient to determine the role of this variant in disease. Therefore, it has been classified as a Variant of Uncertain Significance.

Ambry Genetics
Classification: Likely benign. Last evaluated: 2025-02-09. Review status: criteria provided, single submitter. Criteria: Ambry Variant Classification Scheme 2023. Collection method: clinical testing. Allele origin: germline.